The following is an entry in ClinVar:

NM_004793.4(LONP1):c.2787G>T (p.Glu929Asp)

Gene: LONP1 (lon peptidase 1, mitochondrial; minus strand). Cytogenetic location: 19p13.3.
Variant type: single nucleotide variant.
Coding change: c.2787G>T on transcript NM_004793.4 (MANE Select); coding-DNA position 2787, G replaced by T.
Protein change: p.Glu929Asp; replaces glutamic acid 929 with aspartic acid.
Molecular consequence: missense variant. On other transcripts: non-coding transcript variant (1).
Genome position (GRCh38, 1-based): chr19:5,692,125, C>A on the plus strand (G>T on the coding strand, the complement: LONP1 is on the minus strand). VCF-style: chr19-5692125-C-A. GRCh37 (hg19) VCF-style: chr19-5692136-C-A.
Other names: c.2595G>T, p.Glu865Asp (NM_001276479.2); c.2199G>T, p.Glu733Asp (NM_001276480.1); short protein forms E733D, E865D, E929D.
Identifiers: ClinVar variation 4804484 (VCV004804484.1).
Genomic context (GRCh38, chr19:5,692,125, plus strand): 5'-GTCCGGGAAGGCGATGTCGAAGATCTCCCGGTAGTGTTCCACGAAGTGCACCTCCAGGCC[C>A]TCGGTGATGAAGGCTGCCAGGTCGTAGAAGTCCTTCTTGTTCTCGGCTGGCAGGACGATG-3'
Protein context (NP_004784.2, residues 919-939): DFYDLAAFIT[Glu929Asp]GLEVHFVEHY

ClinVar aggregate classification (germline): Uncertain significance (1 of 4 stars; one submission).

Submission:

Labcorp Genetics (formerly Invitae), Labcorp
Classification: Uncertain significance. Last evaluated: 2025-12-17. Review status: criteria provided, single submitter. Criteria: Invitae Variant Classification Sherloc (09022015). Collection method: clinical testing. Allele origin: germline.
Comment: This sequence change replaces glutamic acid, which is acidic and polar, with aspartic acid, which is acidic and polar, at codon 929 of the LONP1 protein (p.Glu929Asp). This variant is not present in population databases (gnomAD no frequency). This variant has not been reported in the literature in individuals affected with LONP1-related conditions. Invitae Evidence Modeling of protein sequence and biophysical properties (such as structural, functional, and spatial information, amino acid conservation, physicochemical variation, residue mobility, and thermodynamic stability) indicates that this missense variant is not expected to disrupt LONP1 protein function with a negative predictive value of 95%. In summary, the available evidence is currently insufficient to determine the role of this variant in disease. Therefore, it has been classified as a Variant of Uncertain Significance.